The following is an entry in ClinVar:

NM_000238.4(KCNH2):c.3079C>A (p.Leu1027Ile)

Gene: KCNH2 (potassium voltage-gated channel subfamily H member 2; minus strand). Cytogenetic location: 7q36.1.
Variant type: single nucleotide variant.
Coding change: c.3079C>A on transcript NM_000238.4 (MANE Select); coding-DNA position 3079, C replaced by A.
Protein change: p.Leu1027Ile; replaces leucine 1027 with isoleucine.
Molecular consequence: missense variant.
Genome position (GRCh38, 1-based): chr7:150,947,401, G>T on the plus strand (C>A on the coding strand, the complement: KCNH2 is on the minus strand). VCF-style: chr7-150947401-G-T. GRCh37 (hg19) VCF-style: chr7-150644489-G-T.
Other names: p.L1027I:CTC>ATC; c.2059C>A, p.Leu687Ile (NM_172057.3); short protein forms L1027I, L687I.
Identifiers: ClinVar variation 200254 (VCV000200254.19), dbSNP rs794728346, ClinGen allele CA007884.
Genomic context (GRCh38, chr7:150,947,401, plus strand): 5'-GCTGGAGGGCATCCAGCCTGCTCTCCACGTCGCCCCGGGGCCGCCGACCCGGGCTGGAGA[G>T]GGGGATGTTGAGGAGGCTGGGGGTGGGGGCGGGGCATCGAGGGAGCTCCTGGTACTGGCG-3'
Protein context (NP_000229.1, residues 1017-1037): APTPSLLNIP[Leu1027Ile]SSPGRRPRGD

ClinVar aggregate classification (germline): Conflicting classifications of pathogenicity. Review status: criteria provided, conflicting classifications (1 of 4 stars). 5 submissions from 5 submitters: Uncertain significance (4); Likely benign (1). Last evaluated 2025-10-13.

Conditions:
Cardiovascular phenotype. Identifiers: MedGen CN230736.
Cardiac arrhythmia. Also called: Arrhythmia; Cardiac rhythm disease. Identifiers: MedGen C0003811, MONDO:0007263, HP:0011675.
Long QT syndrome (LQTS). Identifiers: MedGen C0023976, MeSH D008133, MONDO:0002442. Disease mechanism: loss of function. Inheritance: Various modes of inheritance.

Allele frequency attached by ClinVar (database versions not stated): gnomAD exomes below 0.00001 and 0.00001; gnomAD 0.00001; TOPMed 0.00001.
gnomAD v4.1: 6 of 1,551,694 alleles (0.00039%); highest among the groups gnomAD compares: African/African-American, 0.0027%; no homozygotes.

Submissions (5):

Labcorp Genetics (formerly Invitae), Labcorp
Classification: Uncertain significance for Long QT syndrome. Last evaluated: 2025-10-13. Review status: criteria provided, single submitter. Criteria: Invitae Variant Classification Sherloc (09022015). Collection method: clinical testing. Allele origin: germline.
Comment: This sequence change replaces leucine, which is neutral and non-polar, with isoleucine, which is neutral and non-polar, at codon 1027 of the KCNH2 protein (p.Leu1027Ile). The frequency data for this variant in the population databases is considered unreliable, as metrics indicate poor data quality at this position in the gnomAD database. This variant has not been reported in the literature in individuals affected with KCNH2-related conditions. ClinVar contains an entry for this variant (Variation ID: 200254). An algorithm developed to predict the effect of missense changes on protein structure and function (PolyPhen-2) suggests that this variant is likely to be tolerated. In summary, the available evidence is currently insufficient to determine the role of this variant in disease. Therefore, it has been classified as a Variant of Uncertain Significance.

All of Us Research Program, National Institutes of Health
Classification: Uncertain significance for Long QT syndrome. Last evaluated: 2024-08-23. Review status: criteria provided, single submitter. Criteria: ACMG Guidelines, 2015. Collection method: clinical testing. Allele origin: germline. Inheritance: Autosomal dominant inheritance. Observed: 1 variant allele, 1 heterozygote.
Comment: This missense variant replaces leucine with isoleucine at codon 1027 of the KCNH2 protein. Computational prediction suggests that this variant may not impact protein structure and function (internally defined REVEL score threshold <= 0.5, PMID: 27666373). To our knowledge, functional studies have not been reported for this variant. This variant has not been reported in individuals affected with cardiovascular disorders in the literature. This variant has been identified in 1/149414 chromosomes in the general population by the Genome Aggregation Database (gnomAD). The available evidence is insufficient to determine the role of this variant in disease conclusively. Therefore, this variant is classified as a Variant of Uncertain Significance.

This study involves interpretation of variants in research participants for the purpose of population health screening. Participant phenotype was not available at the time of variant classification. Additional details can be found in publication PMID: 35346344, PMCID: PMC8962531

Color Diagnostics, LLC DBA Color Health
Classification: Uncertain significance for Cardiac arrhythmia. Last evaluated: 2024-03-06. Review status: criteria provided, single submitter. Criteria: ACMG Guidelines, 2015. Collection method: clinical testing. Allele origin: germline.
Comment: This missense variant replaces leucine with isoleucine at codon 1027 of the KCNH2 protein. Computational prediction suggests that this variant may not impact protein structure and function (internally defined REVEL score threshold <= 0.5, PMID: 27666373). To our knowledge, functional studies have not been reported for this variant. This variant has not been reported in individuals affected with cardiovascular disorders in the literature. This variant has been identified in 1/149414 chromosomes in the general population by the Genome Aggregation Database (gnomAD). The available evidence is insufficient to determine the role of this variant in disease conclusively. Therefore, this variant is classified as a Variant of Uncertain Significance.

Ambry Genetics
Classification: Uncertain significance for Cardiovascular phenotype. Last evaluated: 2021-10-26. Review status: criteria provided, single submitter. Criteria: Ambry Variant Classification Scheme 2023. Collection method: clinical testing. Allele origin: germline.
Comment: The p.L1027I variant (also known as c.3079C>A), located in coding exon 13 of the KCNH2 gene, results from a C to A substitution at nucleotide position 3079. The leucine at codon 1027 is replaced by isoleucine, an amino acid with highly similar properties. This amino acid position is well conserved in available vertebrate species. In addition, the in silico prediction for this alteration is inconclusive. Since supporting evidence is limited at this time, the clinical significance of this alteration remains unclear.

GeneDx
Classification: Likely benign for Cardiac arrhythmia. Last evaluated: 2014-09-18. Review status: criteria provided, single submitter. Criteria: GeneDx Variant Classification (06012015). Collection method: clinical testing. Allele origin: germline. Affected: yes.
Comment: The variant is found in LQT panel(s).